The following is an entry in ClinVar:

ClinVar aggregate classification (germline): Conflicting classifications of pathogenicity. Review status: criteria provided, conflicting classifications (1 of 4 stars). 7 submissions from 7 submitters: Uncertain significance (4); Likely benign (1). 2 of the submissions do not count toward it. Last evaluated 2026-01-27.

Conditions:
Inborn genetic diseases. Identifiers: MedGen C0950123, MeSH D030342.
Exudative vitreoretinopathy 6 (EVR6). Identifiers: Orphanet 891, MedGen C4225316, MONDO:0014652, OMIM 616468.
Retinitis pigmentosa 72 (RP72). Identifiers: Orphanet 791, MedGen C4225315, MONDO:0014653, OMIM 616469.

Allele frequency attached by ClinVar (database versions not stated): ESP Exome Variant Server 0.00015; gnomAD exomes 0.00018 and 0.00037; gnomAD 0.00024 and 0.00022; TOPMed 0.00024; ExAC 0.00023.

Submissions (7):

Labcorp Genetics (formerly Invitae), Labcorp
Classification: Uncertain significance. Last evaluated: 2026-01-27. Review status: criteria provided, single submitter. Criteria: Invitae Variant Classification Sherloc (09022015). Collection method: clinical testing. Allele origin: germline.
Comment: This sequence change replaces phenylalanine, which is neutral and non-polar, with leucine, which is neutral and non-polar, at codon 686 of the ZNF408 protein (p.Phe686Leu). This variant is present in population databases (rs35287195, gnomAD 0.04%). This variant has not been reported in the literature in individuals affected with ZNF408-related conditions. ClinVar contains an entry for this variant (Variation ID: 969022). An algorithm developed to predict the effect of missense changes on protein structure and function outputs the following: PolyPhen-2: "Benign". The leucine amino acid residue is found in multiple mammalian species, which suggests that this missense change does not adversely affect protein function. In summary, the available evidence is currently insufficient to determine the role of this variant in disease. Therefore, it has been classified as a Variant of Uncertain Significance.

Greenwood Genetic Center Diagnostic Laboratories, Greenwood Genetic Center
Classification: Uncertain significance. Last evaluated: 2025-02-18. Review status: criteria provided, single submitter. Criteria: ACMG Guidelines, 2015. Collection method: clinical testing. Allele origin: germline.
Comment: PM2, BP4

Blueprint Genetics
Classification: Likely benign. Last evaluated: 2024-09-24. Review status: criteria provided, single submitter. Criteria: ACMG Guidelines, 2015. Collection method: clinical testing. Allele origin: germline.

Ambry Genetics
Classification: Uncertain significance for Inborn genetic diseases. Last evaluated: 2022-04-13. Review status: criteria provided, single submitter. Criteria: Ambry Variant Classification Scheme 2023. Collection method: clinical testing. Allele origin: germline.

Department of Pathology and Laboratory Medicine, Sinai Health System
Classification: Uncertain significance for Exudative vitreoretinopathy 6; Retinitis pigmentosa 72. Last evaluated: 2021-07-30. Review status: criteria provided, single submitter. Criteria: ACMG Guidelines, 2015. Collection method: research. Allele origin: germline.

Clinical Genetics DNA and cytogenetics Diagnostics Lab, Erasmus MC, Erasmus Medical Center
Classification: Uncertain significance. Review status: no assertion criteria provided. Collection method: clinical testing. Allele origin: germline. Affected: yes. Study: VKGL Data-share Consensus. Not counted in ClinVar's aggregate classification.

Clinical Genetics, Academic Medical Center
Classification: Uncertain significance. Review status: no assertion criteria provided. Collection method: clinical testing. Allele origin: germline. Affected: yes. Study: VKGL Data-share Consensus. Not counted in ClinVar's aggregate classification.

NM_024741.3(ZNF408):c.2058T>G (p.Phe686Leu)

Gene: ZNF408 (zinc finger protein 408; plus strand). Cytogenetic location: 11p11.2.
Variant type: single nucleotide variant.
Coding change: c.2058T>G on transcript NM_024741.3 (MANE Select); coding-DNA position 2058, T replaced by G.
Protein change: p.Phe686Leu; replaces phenylalanine 686 with leucine.
Molecular consequence: missense variant.
Genome position (GRCh38, 1-based): chr11:46,705,758, T>G. VCF-style: chr11-46705758-T-G. GRCh37 (hg19) VCF-style: chr11-46727308-T-G.
Other names: c.2034T>G, p.Phe678Leu (NM_001184751.2); short protein forms F678L, F686L.
Identifiers: ClinVar variation 969022 (VCV000969022.15), dbSNP rs35287195, ClinGen allele CA5966705.